The following is an entry in ClinVar:

ClinVar aggregate classification (germline): Likely benign. Review status: criteria provided, multiple submitters, no conflicts (2 of 4 stars). 2 submissions from 2 submitters: Likely benign (2). Last evaluated 2023-05-16.

Conditions:
Cardiomyopathy (CMYO). Also called: Cardiomyopathies. Identifiers: Orphanet 167848, MedGen C0878544, MONDO:0004994, HP:0001638. Inheritance: Various modes of inheritance.
Catecholaminergic polymorphic ventricular tachycardia (CVPT). Also called: Catecholamine-induced polymorphic ventricular tachycardia. Identifiers: Orphanet 3286, MedGen C5574922, MONDO:0017990.

Allele frequency attached by ClinVar (database versions not stated): TOPMed below 0.00001.

Submissions (2):

All of Us Research Program, National Institutes of Health
Classification: Likely benign for Catecholaminergic polymorphic ventricular tachycardia. Last evaluated: 2023-05-16. Review status: criteria provided, single submitter. Criteria: ACMG Guidelines, 2015. Collection method: clinical testing. Allele origin: germline. Inheritance: Autosomal dominant inheritance. Observed: 1 variant allele, 1 heterozygote.
Comment: This study involves interpretation of variants in research participants for the purpose of population health screening. Participant phenotype was not available at the time of variant classification. Additional details can be found in publication PMID: 35346344, PMCID: PMC8962531

Color Diagnostics, LLC DBA Color Health
Classification: Likely benign for Cardiomyopathy. Last evaluated: 2021-04-19. Review status: criteria provided, single submitter. Criteria: ACMG Guidelines, 2015. Collection method: clinical testing. Allele origin: germline.

NM_001035.3(RYR2):c.5532G>A (p.Gln1844=)

Gene: RYR2 (ryanodine receptor 2; plus strand). Cytogenetic location: 1q43.
Variant type: single nucleotide variant.
Coding change: c.5532G>A on transcript NM_001035.3 (MANE Select); coding-DNA position 5532, G replaced by A.
Protein change: p.Gln1844=; no amino-acid change (glutamine 1844 retained).
Molecular consequence: synonymous variant.
Genome position (GRCh38, 1-based): chr1:237,614,660, G>A. VCF-style: chr1-237614660-G-A. GRCh37 (hg19) VCF-style: chr1-237777960-G-A.
Identifiers: ClinVar variation 1332600 (VCV001332600.3), dbSNP rs1678264241, ClinGen allele CA424031142.